The following is an entry in ClinVar:

ClinVar aggregate classification (germline): Uncertain significance. Review status: criteria provided, multiple submitters, no conflicts (2 of 4 stars). 2 submissions from 2 submitters: Uncertain significance (2). Last evaluated 2025-08-01.

Conditions:
Inborn genetic diseases. Identifiers: MedGen C0950123, MeSH D030342.
Ullrich congenital muscular dystrophy 2 (UCMD2). Identifiers: Orphanet 75840, MedGen C4225314, MONDO:0014654, OMIM 616470.
Bethlem myopathy 2 (BTHLM2). Identifiers: Orphanet 536516, Orphanet 610, MedGen C4225313, MONDO:0034022, OMIM 616471.

Allele frequency attached by ClinVar (database versions not stated): gnomAD exomes below 0.00001; TOPMed 0.00001.
gnomAD v4.1: 3 of 1,614,134 alleles (0.00019%); highest among the groups gnomAD compares: Non-Finnish European, 0.00017%; no homozygotes.

Submissions (2):

Ambry Genetics
Classification: Uncertain significance for Inborn genetic diseases. Last evaluated: 2025-08-01. Review status: criteria provided, single submitter. Criteria: Ambry Variant Classification Scheme 2023. Collection method: clinical testing. Allele origin: germline.

Labcorp Genetics (formerly Invitae), Labcorp
Classification: Uncertain significance for Bethlem myopathy 2; Ullrich congenital muscular dystrophy 2. Last evaluated: 2018-07-25. Review status: criteria provided, single submitter. Criteria: Invitae Variant Classification Sherloc (09022015). Collection method: clinical testing. Allele origin: germline.
Comment: This variant has not been reported in the literature in individuals with COL12A1-related disease. In summary, the available evidence is currently insufficient to determine the role of this variant in disease. Therefore, it has been classified as a Variant of Uncertain Significance. Algorithms developed to predict the effect of missense changes on protein structure and function are either unavailable or do not agree on the potential impact of this missense change (SIFT: "Deleterious"; PolyPhen-2: "Benign"; Align-GVGD: "Class C0"). This variant is not present in population databases (ExAC no frequency). This sequence change replaces threonine with alanine at codon 387 of the COL12A1 protein (p.Thr387Ala). The threonine residue is moderately conserved and there is a small physicochemical difference between threonine and alanine.

NM_004370.6(COL12A1):c.1159A>G (p.Thr387Ala)

Gene: COL12A1 (collagen type XII alpha 1 chain; minus strand). Cytogenetic location: 6q13.
Variant type: single nucleotide variant.
Coding change: c.1159A>G on transcript NM_004370.6 (MANE Select); coding-DNA position 1159, A replaced by G.
Protein change: p.Thr387Ala; replaces threonine 387 with alanine.
Molecular consequence: missense variant. On other transcripts: intron variant (1).
Genome position (GRCh38, 1-based): chr6:75,183,983, T>C on the plus strand (A>G on the coding strand, the complement: COL12A1 is on the minus strand). VCF-style: chr6-75183983-T-C. GRCh37 (hg19) VCF-style: chr6-75893699-T-C.
Other names: c.73+18737A>G (NM_080645.3); short protein forms T387A.
Identifiers: ClinVar variation 652765 (VCV000652765.10), dbSNP rs1582198440, ClinGen allele CA364773277.